The following is an entry in ClinVar:

ClinVar aggregate classification (germline): Conflicting classifications of pathogenicity. Review status: criteria provided, conflicting classifications (1 of 4 stars). 4 submissions from 4 submitters: Uncertain significance (1); Benign (1); Likely benign (2). Last evaluated 2025-12-03.

Conditions:
Inborn genetic diseases. Identifiers: MedGen C0950123, MeSH D030342.

Allele frequency attached by ClinVar (database versions not stated): gnomAD exomes 0.00007 and 0.00019; ExAC 0.00028; ESP Exome Variant Server 0.00069; gnomAD 0.00089; 1000 Genomes Project 30x 0.00094; TOPMed 0.00102; 1000 Genomes Project 0.00120.
gnomAD v4.1: 250 of 1,614,102 alleles (0.015%); highest among the groups gnomAD compares: African/African-American, 0.28%; 1 homozygote.

Submissions (4):

Labcorp Genetics (formerly Invitae), Labcorp
Classification: Benign. Last evaluated: 2025-12-03. Review status: criteria provided, single submitter. Criteria: Invitae Variant Classification Sherloc (09022015). Collection method: clinical testing. Allele origin: germline.

CeGaT Center for Human Genetics Tuebingen
Classification: Likely benign. Last evaluated: 2023-09-01. Review status: criteria provided, single submitter. Criteria: CeGaT Center For Human Genetics Tuebingen Variant Classification Criteria Version 2. Collection method: clinical testing. Allele origin: germline. Affected: yes. Observed: 1 variant allele.
Comment: TRAPPC9: BP4, BP7

Ambry Genetics
Classification: Likely benign for Inborn genetic diseases. Last evaluated: 2017-01-23. Review status: criteria provided, single submitter. Criteria: Ambry Variant Classification Scheme 2023. Collection method: clinical testing. Allele origin: germline.

Genetic Services Laboratory, University of Chicago
Classification: Uncertain significance. Last evaluated: 2014-12-12. Review status: criteria provided, single submitter. Criteria: ACMG Guidelines, 2015. Collection method: clinical testing. Allele origin: germline.

NM_001160372.4(TRAPPC9):c.159C>T (p.Leu53=)

Gene: TRAPPC9 (trafficking protein particle complex subunit 9; minus strand). Cytogenetic location: 8q24.3.
Variant type: single nucleotide variant.
Coding change: c.159C>T on transcript NM_001160372.4 (MANE Select); coding-DNA position 159, C replaced by T.
Protein change: p.Leu53=; no amino-acid change (leucine 53 retained).
Molecular consequence: synonymous variant. On other transcripts: non-coding transcript variant (1).
Genome position (GRCh38, 1-based): chr8:140,451,215, G>A on the plus strand (C>T on the coding strand, the complement: TRAPPC9 is on the minus strand). VCF-style: chr8-140451215-G-A. GRCh37 (hg19) VCF-style: chr8-141461314-G-A.
Other names: c.159C>T, p.Leu53= (NM_001321646.2, NM_001374682.1, NM_001374683.1 and 2 more transcripts).
Identifiers: ClinVar variation 212435 (VCV000212435.42), dbSNP rs112997540, ClinGen allele CA208455.
Genomic context (GRCh38, chr8:140,451,215, plus strand): 5'-GGTCTGGAAGTCACCCCACTCGTTGTTCTCGGGTGGGTAGTGGTGCCTGTAGCGGATGTA[G>A]AGGACTCGCTGGGAGTCCCGCACGCTGATCTGACTCACAGAGCAAATCCTCTTATAGATC-3'
Protein context (NP_001153844.1, residues 43-63): QISVRDSQRV[Leu53=]YIRYRHHYPP